The following is an entry in ClinVar:

ClinVar aggregate classification (germline): Uncertain significance (1 of 4 stars; one submission).

gnomAD v4.1: 9 of 1,613,086 alleles (0.00056%); highest among the groups gnomAD compares: African/African-American, 0.012%; no homozygotes.

Submission:

Labcorp Genetics (formerly Invitae), Labcorp
Classification: Uncertain significance. Last evaluated: 2024-12-19. Review status: criteria provided, single submitter. Criteria: Invitae Variant Classification Sherloc (09022015). Collection method: clinical testing. Allele origin: germline.
Comment: This sequence change replaces leucine, which is neutral and non-polar, with methionine, which is neutral and non-polar, at codon 56 of the SLC25A32 protein (p.Leu56Met). This variant is present in population databases (rs200441736, gnomAD 0.01%). This variant has not been reported in the literature in individuals affected with SLC25A32-related conditions. An algorithm developed to predict the effect of missense changes on protein structure and function (PolyPhen-2) suggests that this variant is likely to be disruptive. In summary, the available evidence is currently insufficient to determine the role of this variant in disease. Therefore, it has been classified as a Variant of Uncertain Significance.

NM_030780.5(SLC25A32):c.166T>A (p.Leu56Met)

Gene: SLC25A32 (solute carrier family 25 member 32; minus strand). Cytogenetic location: 8q22.3.
Variant type: single nucleotide variant.
Coding change: c.166T>A on transcript NM_030780.5 (MANE Select); coding-DNA position 166, T replaced by A.
Protein change: p.Leu56Met; replaces leucine 56 with methionine.
Molecular consequence: missense variant. On other transcripts: non-coding transcript variant (2).
Genome position (GRCh38, 1-based): chr8:103,407,773, A>T on the plus strand (T>A on the coding strand, the complement: SLC25A32 is on the minus strand). VCF-style: chr8-103407773-A-T. GRCh37 (hg19) VCF-style: chr8-104420001-A-T.
Other names: short protein forms L56M.
Identifiers: ClinVar variation 3605848 (VCV003605848.2).